The following is an entry in ClinVar:

NM_004519.4(KCNQ3):c.*7143A>G

Gene: KCNQ3 (potassium voltage-gated channel subfamily Q member 3; minus strand). Cytogenetic location: 8q24.22.
Variant type: single nucleotide variant.
Coding change: c.*7143A>G on transcript NM_004519.4 (MANE Select); 7143 bases downstream of the stop codon, A replaced by G.
Molecular consequence: 3 prime UTR variant.
Genome position (GRCh38, 1-based): chr8:132,122,119, T>C on the plus strand (A>G on the coding strand, the complement: KCNQ3 is on the minus strand). VCF-style: chr8-132122119-T-C. GRCh37 (hg19) VCF-style: chr8-133134366-T-C.
Other names: c.*7143A>G (NM_001204824.2).
Identifiers: ClinVar variation 361759 (VCV000361759.7), dbSNP rs2436125, ClinGen allele CA10626993.
Genomic context (GRCh38, chr8:132,122,119, plus strand): 5'-GAAGCATTGTGGAGGAGCTAGGGCCTGATTTGAGAGGAAGAAGGGGGAGAGAGAATGAGC[T>C]TTCCAGGTACACGGGCTTTGGTTGAATATGCAGCTCTACTTCTTACAATGTGTGACCTTT-3'

ClinVar aggregate classification (germline): Benign. Review status: criteria provided, multiple submitters, no conflicts (2 of 4 stars). 2 submissions from 2 submitters: Benign (2). Last evaluated 2018-01-13.

Conditions:
Seizures, benign familial neonatal, 2. Also called: CONVULSIONS, BENIGN FAMILIAL NEONATAL, 2; KCNQ3-Related Self-Limited Familial Neonatal Epilepsy (SLFNE); Benign Neonatal Epilepsy 2; KCNQ3-Related Benign Familial Neonatal Epilepsy; Seizures, benign neonatal, 2. Identifiers: Orphanet 1949, MedGen C1852581, MONDO:0007366, OMIM 121201.

Allele frequency attached by ClinVar (database versions not stated): gnomAD 0.20673 and 0.20412; 1000 Genomes Project 0.13518; 1000 Genomes Project 30x 0.13632; TOPMed 0.19789; gnomAD exomes 0.18182.
gnomAD v4.1: 31,408 of 152,158 alleles (21%); highest among the groups gnomAD compares: Middle Eastern, 31%; 3,752 homozygotes.

Submissions (2):

Illumina Laboratory Services, Illumina
Classification: Benign for Seizures, benign familial neonatal, 2. Last evaluated: 2018-01-13. Review status: criteria provided, single submitter. Criteria: ICSL Variant Classification Criteria 13 December 2019. Collection method: clinical testing. Allele origin: germline.
Comment: This variant was observed in the ICSL laboratory as part of a predisposition screen in an ostensibly healthy population. It had not been previously curated by ICSL or reported in the Human Gene Mutation Database (HGMD: prior to June 1st, 2018), and was therefore a candidate for classification through an automated scoring system. Utilizing variant allele frequency, disease prevalence and penetrance estimates, and inheritance mode, an automated score was calculated to assess if this variant is too frequent to cause the disease. Based on the score and internal cut-off values, a variant classified as benign is not then subjected to further curation. The score for this variant resulted in a classification of benign for this disease.

Breakthrough Genomics
Classification: Benign. Review status: criteria provided, single submitter. Criteria: ACMG Guidelines, 2015. Collection method: not provided. Allele origin: germline. Inheritance: Autosomal dominant inheritance. Affected: yes.